The following is an entry in ClinVar:

ClinVar aggregate classification (germline): Conflicting classifications of pathogenicity. Review status: criteria provided, conflicting classifications (1 of 4 stars). 4 submissions from 4 submitters: Uncertain significance (2); Likely benign (2). Last evaluated 2025-01-13.

Conditions:
Developmental and epileptic encephalopathy, 46 (DEE46). Also called: Epileptic encephalopathy, early infantile, 46; GRIN2D-Related Developmental and Epileptic Encephalopathy. Identifiers: MedGen C4310687, MONDO:0014947, OMIM 617162.

Submissions (4):

Labcorp Genetics (formerly Invitae), Labcorp
Classification: Uncertain significance. Last evaluated: 2025-01-13. Review status: criteria provided, single submitter. Criteria: Invitae Variant Classification Sherloc (09022015). Collection method: clinical testing. Allele origin: germline.
Comment: This variant, c.3706_3723del, results in the deletion of 6 amino acid(s) of the GRIN2D protein (p.Pro1236_Arg1241del), but otherwise preserves the integrity of the reading frame. This variant is present in population databases (no rsID available, gnomAD 0.1%). This variant has not been reported in the literature in individuals affected with GRIN2D-related conditions. ClinVar contains an entry for this variant (Variation ID: 1377325). Experimental studies and prediction algorithms are not available or were not evaluated, and the functional significance of this variant is currently unknown. In summary, the available evidence is currently insufficient to determine the role of this variant in disease. Therefore, it has been classified as a Variant of Uncertain Significance.

Blueprint Genetics
Classification: Likely benign. Last evaluated: 2024-11-19. Review status: criteria provided, single submitter. Criteria: ACMG Guidelines, 2015. Collection method: clinical testing. Allele origin: germline.

Molecular Genetics, Royal Melbourne Hospital
Classification: Likely benign for Developmental and epileptic encephalopathy, 46. Last evaluated: 2023-05-04. Review status: criteria provided, single submitter. Criteria: ACMG Guidelines, 2015. Collection method: clinical testing. Allele origin: germline. Affected: no.
Comment: European Non-Finnish population allele frequency is 0.01767% (rs903787363,18/65684 alleles, 0 homozygotes in gnomAD v2.1). The variant is reported in 6 heterozygous controls with at least 2 between the age of 35-50 with Infantile-onset Developmental and epileptic encephalopathy. Based on the classification scheme RMH Modified ACMG/AMP Guidelines v1.4.0, this variant is classified as LIKELY BENIGN. Following criteria are met: BS2

CeGaT Center for Human Genetics Tuebingen
Classification: Uncertain significance. Last evaluated: 2023-02-01. Review status: criteria provided, single submitter. Criteria: CeGaT Center For Human Genetics Tuebingen Variant Classification Criteria Version 2. Collection method: clinical testing. Allele origin: germline. Affected: yes. Observed: 1 variant allele.
Comment: GRIN2D: PM2, PM4

NM_000836.4(GRIN2D):c.3706_3723del (p.Pro1236_Arg1241del)

Gene: GRIN2D (glutamate ionotropic receptor NMDA type subunit 2D; plus strand). Cytogenetic location: 19q13.33.
Variant type: Deletion.
Coding change: c.3706_3723del on transcript NM_000836.4 (MANE Select); coding-DNA positions 3706 to 3723, 18 bases deleted (CCGCGGGCCTCGCACCGC).
Protein change: p.Pro1236_Arg1241del.
Molecular consequence: inframe deletion.
Genome position (GRCh38, 1-based): chr19:48,443,632-48,443,649, CCGCGGGCCTCGCACCGC deleted; deleting any 18 consecutive bases within chr19:48,443,624-48,443,649 gives the same sequence; the c. name uses the placement nearest the transcript's 3' end. VCF-style (leftmost placement, unchanged base first): chr19-48443623-CCGCACCGCCCGCGGGCCT-C. GRCh37 (hg19) VCF-style: chr19-48946880-CCGCACCGCCCGCGGGCCT-C.
Other names: c.3706_3723del (NM_000836.2).
Identifiers: ClinVar variation 1377325 (VCV001377325.31), dbSNP rs903787363, ClinGen allele CA309299485.